The following is an entry in ClinVar:

ClinVar aggregate classification (germline): Likely pathogenic (1 of 4 stars; one submission).

Conditions:
Shashi-Pena syndrome (SHAPNS). Identifiers: Orphanet 689408, MedGen C4310672, MONDO:0014963, OMIM 617190.

Submission:

Center for Human Genetics and Genomic Medicine, Uniklinik Rwth Aachen
Classification: Likely pathogenic for Shashi-Pena syndrome. Last evaluated: 2022-02-01. Review status: criteria provided, single submitter. Criteria: ACMG Guidelines, 2015. Collection method: clinical testing. Allele origin: unknown. Inheritance: Autosomal dominant inheritance. Affected: yes. Observed: 1 heterozygote.
Comment: The detected change has not been reported in the relevant databases (dbSNP151, gnomAD, ClinVar) or in the literature. In the case of stop or nonsense variants in a gene that matches the phenotype, there is a high probability of pathogenetic relevance. The variant is currently to be regarded as a "likely pathogenic variant" (ACMG criteria).

NM_018263.6(ASXL2):c.3424del (p.His1142fs)

Gene: ASXL2 (ASXL transcriptional regulator 2; minus strand). Cytogenetic location: 2p23.3.
Variant type: Deletion.
Coding change: c.3424del on transcript NM_018263.6 (MANE Select); coding-DNA position 3424, one base deleted (C; older notation c.3424delC).
Protein change: p.His1142fs; shifts the reading frame from histidine 1142.
Molecular consequence: frameshift variant.
Genome position (GRCh38, 1-based): chr2:25,742,913, G deleted on the plus strand (C on the coding strand, the reverse complement: ASXL2 is on the minus strand); the first of 3 consecutive G bases (chr2:25,742,913-25,742,915); deleting any one gives the same sequence. VCF-style (leftmost placement, unchanged base first): chr2-25742912-TG-T. GRCh37 (hg19) VCF-style: chr2-25965781-TG-T.
Other names: c.3250del, p.His1084fs (NM_001369346.1); c.2644del, p.His882fs (NM_001369347.1); short protein forms H1084fs, H1142fs, H882fs.
Identifiers: ClinVar variation 1338778 (VCV001338778.2), dbSNP rs2149136105, ClinGen allele CA2573051912.